The following is an entry in ClinVar:

ClinVar aggregate classification (germline): Uncertain significance. Review status: criteria provided, multiple submitters, no conflicts (2 of 4 stars). 2 submissions from 2 submitters: Uncertain significance (2). Last evaluated 2025-06-29.

Conditions:
Inborn genetic diseases. Identifiers: MedGen C0950123, MeSH D030342.

gnomAD v4.1: 3 of 1,614,038 alleles (0.00019%); highest among the groups gnomAD compares: Non-Finnish European, 0.00025%; no homozygotes.

Submissions (2):

Ambry Genetics
Classification: Uncertain significance for Inborn genetic diseases. Last evaluated: 2025-06-29. Review status: criteria provided, single submitter. Criteria: Ambry Variant Classification Scheme 2023. Collection method: clinical testing. Allele origin: germline.

GeneDx
Classification: Uncertain significance. Last evaluated: 2023-12-20. Review status: criteria provided, single submitter. Criteria: GeneDx Variant Classification Process June 2021. Collection method: clinical testing. Allele origin: germline. Affected: yes.
Comment: Not observed at significant frequency in large population cohorts (gnomAD); In silico analysis supports that this missense variant has a deleterious effect on protein structure/function; Has not been previously published as pathogenic or benign to our knowledge

NM_014244.5(ADAMTS2):c.2325A>C (p.Leu775Phe)

Gene: ADAMTS2 (ADAM metallopeptidase with thrombospondin type 1 motif 2; minus strand). Cytogenetic location: 5q35.3.
Variant type: single nucleotide variant.
Coding change: c.2325A>C on transcript NM_014244.5 (MANE Select); coding-DNA position 2325, A replaced by C.
Protein change: p.Leu775Phe; replaces leucine 775 with phenylalanine.
Molecular consequence: missense variant.
Genome position (GRCh38, 1-based): chr5:179,130,064, T>G on the plus strand (A>C on the coding strand, the complement: ADAMTS2 is on the minus strand). VCF-style: chr5-179130064-T-G. GRCh37 (hg19) VCF-style: chr5-178557065-T-G.
Other names: short protein forms L775F.
Identifiers: ClinVar variation 3340367 (VCV003340367.2).
Genomic context (GRCh38, chr5:179,130,064, plus strand): 5'-CCACTCCACGCCCATGGCAATGAAGGTTTTGGAACTGGCATCCACGTCATTCTCTTCATT[T>G]AAGATGAACTTGCCTGTCTCCAGGTTCTTGACGGCTGAGAATGGCAAGACCAAGTCCCCC-3'
Protein context (NP_055059.2, residues 765-785): VKNLETGKFI[Leu775Phe]NEENDVDASS